The following is an entry in ClinVar:

ClinVar aggregate classification (germline): Uncertain significance (1 of 4 stars; one submission).

Conditions:
NR0B2-related disorder. Also called: NR0B2-related condition.

gnomAD v4.1: 6 of 1,509,072 alleles (0.0004%); highest among the groups gnomAD compares: Non-Finnish European, 0.00053%; no homozygotes.

Submission:

PreventionGenetics, part of Exact Sciences
Classification: Uncertain significance for NR0B2-related condition. Last evaluated: 2025-10-01. Review status: criteria provided, single submitter. Criteria: ACMG Guidelines, 2015. Collection method: clinical testing. Allele origin: germline.
Comment: The NR0B2 c.104C>T variant is predicted to result in the amino acid substitution p.Pro35Leu. To our knowledge, this variant has not been reported in the literature. This variant is reported in 0.00099% of alleles in individuals of European (Non-Finnish) descent in gnomAD. At this time, the clinical significance of this variant is uncertain due to the absence of conclusive functional and genetic evidence.

NM_021969.3(NR0B2):c.104C>T (p.Pro35Leu)

Genes: NR0B2 (nuclear receptor subfamily 0 group B member 2; minus strand), NUDC (nuclear distribution C, dynein complex regulator; plus strand). Cytogenetic location: 1p36.11.
Variant type: single nucleotide variant.
Coding change: c.104C>T on transcript NM_021969.3 (MANE Select); coding-DNA position 104, C replaced by T.
Protein change: p.Pro35Leu; replaces proline 35 with leucine.
Molecular consequence: missense variant.
Genome position (GRCh38, 1-based): chr1:26,913,837, G>A on the plus strand (C>T on the coding strand, the complement: NR0B2 is on the minus strand). VCF-style: chr1-26913837-G-A. GRCh37 (hg19) VCF-style: chr1-27240328-G-A.
Other names: short protein forms P35L.
Identifiers: ClinVar variation 4995120 (VCV004995120.1).